The following is an entry in ClinVar:

NM_014244.5(ADAMTS2):c.3367del (p.Leu1123fs)

Gene: ADAMTS2 (ADAM metallopeptidase with thrombospondin type 1 motif 2; minus strand). Cytogenetic location: 5q35.3.
Variant type: Deletion.
Coding change: c.3367del on transcript NM_014244.5 (MANE Select); coding-DNA position 3367, one base deleted (C; older notation c.3367delC).
Protein change: p.Leu1123fs; shifts the reading frame from leucine 1123.
Molecular consequence: frameshift variant.
Genome position (GRCh38, 1-based): chr5:179,114,136, G deleted on the plus strand (C on the coding strand, the reverse complement: ADAMTS2 is on the minus strand); the first of 3 consecutive G bases (chr5:179,114,136-179,114,138); deleting any one gives the same sequence. VCF-style (leftmost placement, unchanged base first): chr5-179114135-AG-A. GRCh37 (hg19) VCF-style: chr5-178541136-AG-A.
Other names: short protein forms L1123fs.
Identifiers: ClinVar variation 5004732 (VCV005004732.1).

ClinVar aggregate classification (germline): Uncertain significance (1 of 4 stars; one submission).

Conditions:
Ehlers-Danlos syndrome, dermatosparaxis type. Also called: EDS VIIC; Dermatosparaxis; Ehlers-Danlos syndrome, type VII, autosomal recessive. Identifiers: Orphanet 1901, MedGen C2700425, MONDO:0009161, OMIM 225410.

Submission:

Myriad Genetics, Inc.
Classification: Uncertain significance for Ehlers-Danlos syndrome, dermatosparaxis type. Last evaluated: 2026-08-31. Review status: criteria provided, single submitter. Criteria: Myriad Autosomal Dominant, Autosomal Recessive and X-Linked Classification Criteria (2023). Collection method: clinical testing. Allele origin: unknown.
Comment: NM_014244.4(ADAMTS2):c.3367delC(L1123Sfs*6) is a frameshift variant classified as a variant of uncertain significance in the context of Ehlers-Danlos syndrome, ADAMTS2-related. L1123Sfs*6 has not been observed in cases with relevant disease. Relevant functional assessments of this variant are not available in the literature. L1123Sfs*6 has not been observed in referenced population frequency databases. In summary, there is insufficient evidence to classify NM_014244.4(ADAMTS2):c.3367delC(L1123Sfs*6) as pathogenic or benign. Please note: this variant was assessed in the context of healthy population screening.